The following is an entry in ClinVar:

NM_000169.3(GLA):c.151_152delinsG (p.Met51fs)

Genes: GLA (galactosidase alpha; minus strand), RPL36A-HNRNPH2 (RPL36A-HNRNPH2 readthrough; plus strand). Cytogenetic location: Xq22.1.
Variant type: Indel.
Coding change: c.151_152delinsG on transcript NM_000169.3 (MANE Select); coding-DNA positions 151 to 152, AT replaced by G.
Protein change: p.Met51fs; shifts the reading frame from methionine 51.
Molecular consequence: frameshift variant. On other transcripts: non-coding transcript variant (3), intron variant (2).
Genome position (GRCh38, 1-based): chrX:101,407,752-101,407,753, AT replaced by C on the plus strand (AT replaced by G on the coding strand, the reverse complement: GLA is on the minus strand). VCF-style: chrX-101407752-AT-C. GRCh37 (hg19) VCF-style: chrX-100662740-AT-C.
Other names: c.151_152delinsG, p.Met51fs (NM_001406747.1, NM_001406748.1, NM_001406749.1); c.301-4184_301-4183delinsC (NM_001199973.2); c.178-4184_178-4183delinsC (NM_001199974.2); short protein forms M51fs.
Identifiers: ClinVar variation 4087262 (VCV004087262.2).

ClinVar aggregate classification (germline): Pathogenic (1 of 4 stars; one submission).

Conditions:
Fabry disease. Also called: ALPHA-GALACTOSIDASE A DEFICIENCY; ANDERSON-FABRY DISEASE; CERAMIDE TRIHEXOSIDASE DEFICIENCY; GLA DEFICIENCY; HEREDITARY DYSTOPIC LIPIDOSIS; Angiokeratoma corporis diffusum. Identifiers: Orphanet 324, MedGen C0002986, MONDO:0010526, OMIM 301500, HP:0001071. Disease mechanism: Fabry disease is due to inactivating mutations in the X-linked GLA gene resulting in deficiency of the enzyme Alpha Galactosidase-A., loss of function.

Submission:

Genomenon, Inc
Classification: Pathogenic for Fabry disease. Last evaluated: 2026-09-08. Review status: criteria provided, single submitter. Criteria: Genomenon Sequence Variant Interpretation Standards - Updated. Collection method: curation. Allele origin: germline. Affected: yes.
Comment: GLA p.Met51GlyfsTer70 (c.151_152delinsG) is a frameshift variant that is predicted to introduce a premature termination codon and result in a truncated or absent protein product. This variant has been observed in at least one proband with clinical features consistent with Fabry disease (PMID:30988410). It is absent or not present at a significant frequency in gnomAD. In conclusion, we classify GLA p.Met51GlyfsTer70 (c.151_152delinsG) as a pathogenic variant.

Literature cited by the submitters: PubMed 30988410.